The following is an entry in ClinVar:

NM_025137.4(SPG11):c.2120T>C (p.Phe707Ser)

Gene: SPG11 (SPG11 vesicle trafficking associated, spatacsin; minus strand). Cytogenetic location: 15q21.1.
Variant type: single nucleotide variant.
Coding change: c.2120T>C on transcript NM_025137.4 (MANE Select); coding-DNA position 2120, T replaced by C.
Protein change: p.Phe707Ser; replaces phenylalanine 707 with serine.
Molecular consequence: missense variant.
Genome position (GRCh38, 1-based): chr15:44,626,455, A>G on the plus strand (T>C on the coding strand, the complement: SPG11 is on the minus strand). VCF-style: chr15-44626455-A-G. GRCh37 (hg19) VCF-style: chr15-44918653-A-G.
Other names: c.2120T>C, p.Phe707Ser (NM_001160227.2, NM_001411132.1); short protein forms F707S.
Identifiers: ClinVar variation 3775518 (VCV003775518.1).

ClinVar aggregate classification (germline): Uncertain significance (1 of 4 stars; one submission).

Conditions:
Amyotrophic lateral sclerosis type 5 (ALS5). Also called: AMYOTROPHIC LATERAL SCLEROSIS 5, JUVENILE. Identifiers: Orphanet 300605, MedGen C1865864, MONDO:0011196, OMIM 602099.

gnomAD v4.1: 1 of 1,614,072 alleles (0.000062%); highest among the groups gnomAD compares: Non-Finnish European, 0.000085%; no homozygotes.

Submission:

3billion
Classification: Uncertain significance for Amyotrophic lateral sclerosis type 5. Last evaluated: 2023-08-16. Review status: criteria provided, single submitter. Criteria: ACMG Guidelines, 2015. Collection method: clinical testing. Allele origin: germline. Affected: yes.
Comment: The variant is not observed in the gnomAD v2.1.1 dataset. Predicted Consequence/Location: Protein truncation variants are a common disease-causing mechanism. In silico tool predictions suggest damaging effect of the variant on gene or gene product [REVEL: 0.80 (>=0.6, sensitivity 0.68 and specificity 0.92)]. Therefore, this variant is classified as VUS according to the recommendation of ACMG/AMP guideline.